The following is an entry in ClinVar:

ClinVar aggregate classification (germline): Uncertain significance (1 of 4 stars; one submission).

Submission:

Labcorp Genetics (formerly Invitae), Labcorp
Classification: Uncertain significance. Last evaluated: 2025-12-24. Review status: criteria provided, single submitter. Criteria: Invitae Variant Classification Sherloc (09022015). Collection method: clinical testing. Allele origin: germline.
Comment: This sequence change replaces serine, which is neutral and polar, with threonine, which is neutral and polar, at codon 975 of the DCHS1 protein (p.Ser975Thr). This variant is not present in population databases (gnomAD no frequency). This variant has not been reported in the literature in individuals affected with DCHS1-related conditions. Invitae Evidence Modeling of protein sequence and biophysical properties (such as structural, functional, and spatial information, amino acid conservation, physicochemical variation, residue mobility, and thermodynamic stability) indicates that this missense variant is not expected to disrupt DCHS1 protein function with a negative predictive value of 80%. In summary, the available evidence is currently insufficient to determine the role of this variant in disease. Therefore, it has been classified as a Variant of Uncertain Significance.

NM_003737.4(DCHS1):c.2923T>A (p.Ser975Thr)

Gene: DCHS1 (dachsous cadherin-related 1; minus strand). Cytogenetic location: 11p15.4.
Variant type: single nucleotide variant.
Coding change: c.2923T>A on transcript NM_003737.4 (MANE Select); coding-DNA position 2923, T replaced by A.
Protein change: p.Ser975Thr; replaces serine 975 with threonine.
Molecular consequence: missense variant.
Genome position (GRCh38, 1-based): chr11:6,632,589, A>T on the plus strand (T>A on the coding strand, the complement: DCHS1 is on the minus strand). VCF-style: chr11-6632589-A-T. GRCh37 (hg19) VCF-style: chr11-6653820-A-T.
Other names: short protein forms S975T.
Identifiers: ClinVar variation 4773825 (VCV004773825.1).